The following is an entry in ClinVar:

NM_000719.7(CACNA1C):c.5408G>C (p.Arg1803Pro)

Genes: CACNA1C (calcium voltage-gated channel subunit alpha1 C; plus strand), CACNA1C-AS1 (CACNA1C antisense RNA 1; minus strand). Cytogenetic location: 12p13.33.
Variant type: single nucleotide variant.
Coding change: c.5408G>C on transcript NM_000719.7 (MANE Select); coding-DNA position 5408, G replaced by C.
Protein change: p.Arg1803Pro; replaces arginine 1803 with proline.
Molecular consequence: missense variant.
Genome position (GRCh38, 1-based): chr12:2,679,760, G>C. VCF-style: chr12-2679760-G-C. GRCh37 (hg19) VCF-style: chr12-2788926-G-C.
Other names: c.5552G>C, p.Arg1851Pro (NM_001129827.2, NM_199460.4); c.5531G>C, p.Arg1844Pro (NM_001129829.2); c.5408G>C, p.Arg1803Pro (NM_001129830.3, NM_001129840.2, NM_001129841.2 and 4 more transcripts); c.5492G>C, p.Arg1831Pro (NM_001129831.2); c.5468G>C, p.Arg1823Pro (NM_001129832.2); c.5465G>C, p.Arg1822Pro (NM_001129833.2, NM_001129834.2, NM_001129835.2); c.5459G>C, p.Arg1820Pro (NM_001129836.2); c.5432G>C, p.Arg1811Pro (NM_001129837.2, NM_001129838.2); and 3 more; short protein forms R1803P, R1851P, R1844P, R1800P, R1792P, R1809P, R1820P, R1823P.
Identifiers: ClinVar variation 191425 (VCV000191425.35), dbSNP rs201918158, ClinGen allele CA236615.
Genomic context (GRCh38, chr12:2,679,760, plus strand): 5'-GCTACCCCAGCACGGTCAGCACTGTGGAGGGCCACGGGCCCCCCTTGTCCCCTGCCATCC[G>C]GGTGCAGGAGGTGGCGTGGAAGCTCAGCTCCAACAGGTAAGTGGGAGGCTGGCCACCCCA-3'
Protein context (NP_000710.5, residues 1793-1813): GHGPPLSPAI[Arg1803Pro]VQEVAWKLSS

ClinVar aggregate classification (germline): Conflicting classifications of pathogenicity. Review status: criteria provided, conflicting classifications (1 of 4 stars). 5 submissions from 5 submitters: Uncertain significance (1); Benign (1); Likely benign (3). Last evaluated 2025-09-10.

Conditions:
Cardiovascular phenotype. Identifiers: MedGen CN230736.
Long QT syndrome (LQTS). Identifiers: MedGen C0023976, MeSH D008133, MONDO:0002442. Disease mechanism: loss of function. Inheritance: Various modes of inheritance.

Allele frequency attached by ClinVar (database versions not stated): ExAC 0.00027.
gnomAD v4.1: 94 of 1,587,868 alleles (0.0059%); highest among the groups gnomAD compares: South Asian, 0.1%; 2 homozygotes.

Submissions (5):

Labcorp Genetics (formerly Invitae), Labcorp
Classification: Benign for Long QT syndrome. Last evaluated: 2025-09-10. Review status: criteria provided, single submitter. Criteria: Invitae Variant Classification Sherloc (09022015). Collection method: clinical testing. Allele origin: germline.

CeGaT Center for Human Genetics Tuebingen
Classification: Likely benign. Last evaluated: 2023-11-01. Review status: criteria provided, single submitter. Criteria: CeGaT Center For Human Genetics Tuebingen Variant Classification Criteria Version 2. Collection method: clinical testing. Allele origin: germline. Affected: yes. Observed: 1 variant allele.
Comment: CACNA1C: BS1

Blueprint Genetics
Classification: Likely benign. Last evaluated: 2023-08-28. Review status: criteria provided, single submitter. Criteria: ACMG Guidelines, 2015. Collection method: clinical testing. Allele origin: germline.

Ambry Genetics
Classification: Likely benign for Cardiovascular phenotype. Last evaluated: 2020-11-20. Review status: criteria provided, single submitter. Criteria: Ambry Variant Classification Scheme 2023. Collection method: clinical testing. Allele origin: germline.

Biesecker Lab/Clinical Genomics Section, National Institutes of Health
Classification: Uncertain significance. Last evaluated: 2013-06-24. Review status: criteria provided, single submitter. Criteria: Ng et al. (Circ Cardiovasc Genet. 2013). Collection method: research. Allele origin: unknown. Observed: 1 variant allele. Study: ClinSeq.
Comment: The study set was not selected for affection status in relation to any cancer. Pathogenicity categories were based on literature curation. See Pubmed ID:23861362 for details.

Medical sequencing